The following is an entry in ClinVar:

ClinVar aggregate classification (germline): Pathogenic/Likely pathogenic. Review status: criteria provided, multiple submitters, no conflicts (2 of 4 stars). 4 submissions from 4 submitters: Pathogenic (2); Likely pathogenic (1). 1 of the submissions does not count toward it. Last evaluated 2025-09-08.

Conditions:
Congenital adrenal hyperplasia due to cytochrome P450 oxidoreductase deficiency. Also called: DISORDERED STEROIDOGENESIS DUE TO POR DEFICIENCY. Identifiers: Orphanet 95699, MedGen C1860042, MONDO:0013310, OMIM 613571.
Antley-Bixler syndrome with genital anomalies and disordered steroidogenesis (ABS1). Also called: POR Deficiency. Identifiers: Orphanet 63269, MedGen C3150099, MONDO:0008726, OMIM 201750.

Submissions (4):

GeneDx
Classification: Pathogenic. Last evaluated: 2025-09-08. Review status: criteria provided, single submitter. Criteria: GeneDx Variant Classification Process June 2021. Collection method: clinical testing. Allele origin: germline. Affected: yes.
Comment: Frameshift variant predicted to result in protein truncation or nonsense mediated decay in a gene for which loss of function is a known mechanism of disease; This variant is associated with the following publications: (PMID: 22162478, 18853185, 15264278, 15483095, 32615689, 31589614, 23365120)

Fulgent Genetics
Classification: Likely pathogenic for Antley-Bixler syndrome with genital anomalies and disordered steroidogenesis; Congenital adrenal hyperplasia due to cytochrome P450 oxidoreductase deficiency. Last evaluated: 2024-03-05. Review status: criteria provided, single submitter. Criteria: ACMG Guidelines, 2015. Collection method: clinical testing. Allele origin: germline.

Labcorp Genetics (formerly Invitae), Labcorp
Classification: Pathogenic for Congenital adrenal hyperplasia due to cytochrome P450 oxidoreductase deficiency. Last evaluated: 2024-01-02. Review status: criteria provided, single submitter. Criteria: Invitae Variant Classification Sherloc (09022015). Collection method: clinical testing. Allele origin: germline.
Comment: This sequence change creates a premature translational stop signal (p.Ile444Hisfs*6) in the POR gene. It is expected to result in an absent or disrupted protein product. Loss-of-function variants in POR are known to be pathogenic (PMID: 14758361, 20732302, 21741353). This variant is present in population databases (rs782496800, gnomAD 0.01%). This premature translational stop signal has been observed in individuals with POR-related conditions (PMID: 15264278, 15483095, 22162478). ClinVar contains an entry for this variant (Variation ID: 16910). For these reasons, this variant has been classified as Pathogenic.

OMIM
Classification: Pathogenic for ANTLEY-BIXLER SYNDROME WITH GENITAL ANOMALIES AND DISORDERED STEROIDOGENESIS. Last evaluated: 2005-01-01. Review status: no assertion criteria provided. Collection method: literature only. Allele origin: germline. Not counted in ClinVar's aggregate classification.

Literature cited by the submitters: PubMed 14758361 (cited by Labcorp Genetics (formerly Invitae), Labcorp); PubMed 20732302 (cited by Labcorp Genetics (formerly Invitae), Labcorp); PubMed 21741353 (cited by Labcorp Genetics (formerly Invitae), Labcorp); PubMed 15264278 (cited by Labcorp Genetics (formerly Invitae), Labcorp); PubMed 15483095 (cited by Labcorp Genetics (formerly Invitae), Labcorp and OMIM); PubMed 22162478 (cited by Labcorp Genetics (formerly Invitae), Labcorp).

NM_001395413.1(POR):c.1320dup (p.Ile441fs)

Gene: POR (cytochrome p450 oxidoreductase; plus strand). Cytogenetic location: 7q11.23.
Variant type: Duplication.
Coding change: c.1320dup on transcript NM_001395413.1 (MANE Select); coding-DNA position 1320, one base duplicated (C; older notation c.1320dupC).
Protein change: p.Ile441fs; shifts the reading frame from isoleucine 441.
Molecular consequence: frameshift variant. On other transcripts: intron variant (1).
Genome position (GRCh38, 1-based): chr7:75,985,138, C duplicated; the last of 6 consecutive C bases (chr7:75,985,133-75,985,138); duplicating any one gives the same sequence. VCF-style (leftmost placement, unchanged base first): chr7-75985132-G-GC. GRCh37 (hg19) VCF-style: chr7-75614450-G-GC.
Other names: c.1320dup, p.Ile441fs (NM_001367562.3, NM_001382657.2, NM_001382658.3 and 1 more transcripts); c.1374dup, p.Ile459fs (NM_001382655.3); c.1239+180dup (NM_001382662.3); c.1329dupC (NM_000941.2); short protein forms I441fs, I459fs.
Identifiers: ClinVar variation 16910 (VCV000016910.11), dbSNP rs786205875, ClinGen allele CA257664.